The following is an entry in ClinVar:

NM_002294.3(LAMP2):c.467T>C (p.Leu156Ser)

Gene: LAMP2 (lysosome associated membrane protein 2; minus strand). Cytogenetic location: Xq24.
Variant type: single nucleotide variant.
Coding change: c.467T>C on transcript NM_002294.3 (MANE Select); coding-DNA position 467, T replaced by C.
Protein change: p.Leu156Ser; replaces leucine 156 with serine.
Molecular consequence: missense variant.
Genome position (GRCh38, 1-based): chrX:120,449,059, A>G on the plus strand (T>C on the coding strand, the complement: LAMP2 is on the minus strand). VCF-style: chrX-120449059-A-G. GRCh37 (hg19) VCF-style: chrX-119582914-A-G.
Other names: c.467T>C, p.Leu156Ser (NM_001122606.1, NM_013995.2); short protein forms L156S.
Identifiers: ClinVar variation 951270 (VCV000951270.10), dbSNP rs1385890053, ClinGen allele CA414402157.

ClinVar aggregate classification (germline): Uncertain significance. Review status: criteria provided, multiple submitters, no conflicts (2 of 4 stars). 2 submissions from 2 submitters: Uncertain significance (2). Last evaluated 2025-02-06.

Conditions:
Danon disease. Also called: PSEUDOGLYCOGENOSIS II; GSD IIb; LYSOSOMAL GLYCOGEN STORAGE DISEASE WITHOUT ACID MALTASE DEFICIENCY; ANTOPOL DISEASE; Glycogen Storage Disease Type IIb. Identifiers: Orphanet 34587, MedGen C0878677, MONDO:0010281, OMIM 300257.

Allele frequency attached by ClinVar (database versions not stated): gnomAD exomes 0.00001.
gnomAD v4.1: 6 of 1,202,482 alleles (0.0005%); highest among the groups gnomAD compares: South Asian, 0.0053%; no homozygotes.

Submissions (2):

Labcorp Genetics (formerly Invitae), Labcorp
Classification: Uncertain significance for Danon disease. Last evaluated: 2025-02-06. Review status: criteria provided, single submitter. Criteria: Invitae Variant Classification Sherloc (09022015). Collection method: clinical testing. Allele origin: germline.
Comment: This sequence change replaces leucine, which is neutral and non-polar, with serine, which is neutral and polar, at codon 156 of the LAMP2 protein (p.Leu156Ser). This variant is not present in population databases (gnomAD no frequency). This variant has not been reported in the literature in individuals affected with LAMP2-related conditions. ClinVar contains an entry for this variant (Variation ID: 951270). Invitae Evidence Modeling of protein sequence and biophysical properties (such as structural, functional, and spatial information, amino acid conservation, physicochemical variation, residue mobility, and thermodynamic stability) indicates that this missense variant is not expected to disrupt LAMP2 protein function with a negative predictive value of 80%. In summary, the available evidence is currently insufficient to determine the role of this variant in disease. Therefore, it has been classified as a Variant of Uncertain Significance.

GeneDx
Classification: Uncertain significance. Last evaluated: 2022-08-15. Review status: criteria provided, single submitter. Criteria: GeneDx Variant Classification Process June 2021. Collection method: clinical testing. Allele origin: germline. Affected: yes.
Comment: Has not been previously published as pathogenic or benign to our knowledge; Not observed at significant frequency in large population cohorts (gnomAD); In silico analysis supports that this missense variant does not alter protein structure/function